The following is an entry in ClinVar:

ClinVar aggregate classification (germline): Uncertain significance (1 of 4 stars; one submission).

Submission:

Labcorp Genetics (formerly Invitae), Labcorp
Classification: Uncertain significance. Last evaluated: 2020-10-20. Review status: criteria provided, single submitter. Criteria: Invitae Variant Classification Sherloc (09022015). Collection method: clinical testing. Allele origin: germline.
Comment: In summary, the available evidence is currently insufficient to determine the role of this variant in disease. Therefore, it has been classified as a Variant of Uncertain Significance. Algorithms developed to predict the effect of missense changes on protein structure and function output the following: SIFT: "Tolerated"; PolyPhen-2: "Benign"; Align-GVGD: "Class C0". The cysteine amino acid residue is found in multiple mammalian species, suggesting that this missense change does not adversely affect protein function. These predictions have not been confirmed by published functional studies and their clinical significance is uncertain. This variant has not been reported in the literature in individuals with CHD8-related conditions. This variant is not present in population databases (ExAC no frequency). This sequence change replaces tyrosine with cysteine at codon 1989 of the CHD8 protein (p.Tyr1989Cys). The tyrosine residue is weakly conserved and there is a large physicochemical difference between tyrosine and cysteine.

NM_001170629.2(CHD8):c.5966A>G (p.Tyr1989Cys)

Gene: CHD8 (chromodomain helicase DNA binding protein 8; minus strand). Cytogenetic location: 14q11.2.
Variant type: single nucleotide variant.
Coding change: c.5966A>G on transcript NM_001170629.2 (MANE Select); coding-DNA position 5966, A replaced by G.
Protein change: p.Tyr1989Cys; replaces tyrosine 1989 with cysteine.
Molecular consequence: missense variant.
Genome position (GRCh38, 1-based): chr14:21,393,829, T>C on the plus strand (A>G on the coding strand, the complement: CHD8 is on the minus strand). VCF-style: chr14-21393829-T-C. GRCh37 (hg19) VCF-style: chr14-21861988-T-C.
Other names: c.5129A>G, p.Tyr1710Cys (NM_020920.4); short protein forms Y1710C, Y1989C.
Identifiers: ClinVar variation 1021005 (VCV001021005.8), dbSNP rs1887653474, ClinGen allele CA388880678.